The following is an entry in ClinVar:

ClinVar aggregate classification (germline): Uncertain significance (1 of 4 stars; one submission).

Conditions:
Neuroblastoma, susceptibility to, 3. Also called: ALK-Related Neuroblastic Tumor Susceptibility. Identifiers: Orphanet 635, MedGen C2751681, MONDO:0013083, OMIM 613014.

Submission:

Labcorp Genetics (formerly Invitae), Labcorp
Classification: Uncertain significance for Neuroblastoma, susceptibility to, 3. Last evaluated: 2021-06-11. Review status: criteria provided, single submitter. Criteria: Invitae Variant Classification Sherloc (09022015). Collection method: clinical testing. Allele origin: germline.
Comment: This sequence change replaces isoleucine with valine at codon 293 of the ALK protein (p.Ile293Val). The isoleucine residue is weakly conserved and there is a small physicochemical difference between isoleucine and valine. This variant is not present in population databases (ExAC no frequency). This variant has not been reported in the literature in individuals with ALK-related conditions. Algorithms developed to predict the effect of missense changes on protein structure and function output the following: SIFT: "Tolerated"; PolyPhen-2: "Benign"; Align-GVGD: "Class C0". The valine amino acid residue is found in multiple mammalian species, suggesting that this missense change does not adversely affect protein function. These predictions have not been confirmed by published functional studies and their clinical significance is uncertain. In summary, the available evidence is currently insufficient to determine the role of this variant in disease. Therefore, it has been classified as a Variant of Uncertain Significance.

NM_004304.5(ALK):c.877A>G (p.Ile293Val)

Gene: ALK (ALK receptor tyrosine kinase; minus strand). Cytogenetic location: 2p23.2.
Variant type: single nucleotide variant.
Coding change: c.877A>G on transcript NM_004304.5 (MANE Select); coding-DNA position 877, A replaced by G.
Protein change: p.Ile293Val; replaces isoleucine 293 with valine.
Molecular consequence: missense variant.
Genome position (GRCh38, 1-based): chr2:29,694,925, T>C on the plus strand (A>G on the coding strand, the complement: ALK is on the minus strand). VCF-style: chr2-29694925-T-C. GRCh37 (hg19) VCF-style: chr2-29917791-T-C.
Other names: short protein forms I293V.
Identifiers: ClinVar variation 1482563 (VCV001482563.8), dbSNP rs2148289798, ClinGen allele CA346586956.
Genomic context (GRCh38, chr2:29,694,925, plus strand): 5'-TAGAACGCTCTGCCCCAGGCCCATCCAGCAAGTCCATCTGGGAGGCCTCCTCGGAGGGGA[T>C]GCGGCGCCAGGACCAGCTCTGGTTCCTGAGGTCATGCAGTGGAGGGGAATACTCCAGCTC-3'
Protein context (NP_004295.2, residues 283-303): LRNQSWSWRR[Ile293Val]PSEEASQMDL